The following is an entry in ClinVar:

NM_001267550.2(TTN):c.61484G>A (p.Arg20495His)

Genes: TTN-AS1 (TTN antisense RNA 1; plus strand), TTN (titin; minus strand). Cytogenetic location: 2q31.2.
Variant type: single nucleotide variant.
Coding change: c.61484G>A on transcript NM_001267550.2 (MANE Select); coding-DNA position 61484, G replaced by A.
Protein change: p.Arg20495His; replaces arginine 20495 with histidine.
Molecular consequence: missense variant.
Genome position (GRCh38, 1-based): chr2:178,590,241, C>T on the plus strand (G>A on the coding strand, the complement: TTN is on the minus strand). VCF-style: chr2-178590241-C-T. GRCh37 (hg19) VCF-style: chr2-179454968-C-T.
Other names: p.R18854H:CGC>CAC; c.56561G>A, p.Arg18854His (NM_001256850.1); c.34289G>A, p.Arg11430His (NM_003319.4); c.53780G>A, p.Arg17927His (NM_133378.4); c.34664G>A, p.Arg11555His (NM_133432.3); c.34865G>A, p.Arg11622His (NM_133437.4); short protein forms R18854H, R20495H, R17927H, R11622H, R11430H, R11555H.
Identifiers: ClinVar variation 202756 (VCV000202756.14), dbSNP rs775137607, ClinGen allele CA310188.

ClinVar aggregate classification (germline): Conflicting classifications of pathogenicity. Review status: criteria provided, conflicting classifications (1 of 4 stars). 12 submissions from 8 submitters: Uncertain significance (9); Benign (2); Likely benign (1). Last evaluated 2026-02-09.

Conditions:
TTN-related disorder. Also called: TTN-related condition; TTN-related disease; TTN-related disorders.
Dilated cardiomyopathy 1G (CMD1G). Identifiers: Orphanet 154, MedGen C1858763, MONDO:0011400, OMIM 604145.
Autosomal recessive limb-girdle muscular dystrophy type 2J (LGMDR10). Also called: Limb-girdle muscular dystrophy, type 2J; MUSCULAR DYSTROPHY, LIMB-GIRDLE, AUTOSOMAL RECESSIVE 10. Identifiers: Orphanet 140922, MedGen C1837342, MONDO:0012127, OMIM 608807.
Cardiomyopathy (CMYO). Also called: Cardiomyopathies. Identifiers: Orphanet 167848, MedGen C0878544, MONDO:0004994, HP:0001638. Inheritance: Various modes of inheritance.
Early-onset myopathy with fatal cardiomyopathy (CMYO5). Also called: Salih Myopathy; CONGENITAL MYOPATHY 5 WITH CARDIOMYOPATHY. Identifiers: Orphanet 289377, MedGen C2673677, MONDO:0012714, OMIM 611705. Disease mechanism: loss of function.
Tibial muscular dystrophy (TMD). Also called: Tibial muscular dystrophy, tardive; Udd Distal Myopathy – Tibial Muscular Dystrophy; UDD MYOPATHY. Identifiers: Orphanet 609, MedGen C1838244, MONDO:0010870, OMIM 600334.
Myopathy, myofibrillar, 9, with early respiratory failure (MFM9). Also called: Myopathy, distal, with early respiratory failure, autosomal dominant; MYOPATHY, PROXIMAL, WITH EARLY RESPIRATORY MUSCLE INVOLVEMENT; Hereditary myopathy with early respiratory failure; EDSTROM MYOPATHY. Identifiers: Orphanet 178464, Orphanet 34521, MedGen C1863599, MONDO:0011362, OMIM 603689.

Allele frequency attached by ClinVar (database versions not stated): gnomAD 0.00011; TOPMed 0.00011.
gnomAD v4.1: 82 of 1,588,972 alleles (0.0052%); highest among the groups gnomAD compares: Middle Eastern, 0.017%; no homozygotes.

Submissions (12):

PreventionGenetics, part of Exact Sciences
Classification: Uncertain significance for TTN-related condition. Last evaluated: 2026-02-09. Review status: criteria provided, single submitter. Criteria: ACMG Guidelines, 2015. Collection method: clinical testing. Allele origin: germline.
Comment: The TTN c.61484G>A variant is predicted to result in the amino acid substitution p.Arg20495His. To our knowledge, this variant has not been reported in the literature. This variant is reported in 0.013% of alleles in individuals of African descent in gnomAD. At this time, the clinical significance of this variant is uncertain due to the absence of conclusive functional and genetic evidence.

Revvity Omics, Revvity
Classification: Uncertain significance. Last evaluated: 2025-01-01. Review status: criteria provided, single submitter. Criteria: ACMG Guidelines, 2015. Collection method: clinical testing. Allele origin: germline.

Women's Health and Genetics/Laboratory Corporation of America, LabCorp
Classification: Uncertain significance. Last evaluated: 2023-07-29. Review status: criteria provided, single submitter. Criteria: LabCorp Variant Classification Summary - May 2015. Collection method: clinical testing. Allele origin: germline.

CHEO Genetics Diagnostic Laboratory, Children's Hospital of Eastern Ontario
Classification: Likely benign for Cardiomyopathy. Last evaluated: 2022-05-24. Review status: criteria provided, single submitter. Criteria: ACMG Guidelines, 2015. Collection method: clinical testing. Allele origin: germline.

Athena Diagnostics
Classification: Uncertain significance. Last evaluated: 2020-03-11. Review status: criteria provided, single submitter. Criteria: Athena Diagnostics Criteria. Collection method: clinical testing. Allele origin: unknown.

Illumina Laboratory Services, Illumina
Classification: Uncertain significance for Dilated cardiomyopathy 1G. Last evaluated: 2018-01-13. Review status: criteria provided, single submitter. Criteria: ICSL Variant Classification Criteria 13 December 2019. Collection method: clinical testing. Allele origin: germline.

Illumina Laboratory Services, Illumina
Classification: Benign for Tibial muscular dystrophy. Last evaluated: 2018-01-13. Review status: criteria provided, single submitter. Criteria: ICSL Variant Classification Criteria 13 December 2019. Collection method: clinical testing. Allele origin: germline.
Comment: This variant was observed in the ICSL laboratory as part of a predisposition screen in an ostensibly healthy population. It had not been previously curated by ICSL or reported in the Human Gene Mutation Database (HGMD: prior to June 1st, 2018), and was therefore a candidate for classification through an automated scoring system. Utilizing variant allele frequency, disease prevalence and penetrance estimates, and inheritance mode, an automated score was calculated to assess if this variant is too frequent to cause the disease. Based on the score and internal cut-off values, a variant classified as benign is not then subjected to further curation. The score for this variant resulted in a classification of benign for this disease.

Illumina Laboratory Services, Illumina
Classification: Uncertain significance for Early-onset myopathy with fatal cardiomyopathy. Last evaluated: 2018-01-13. Review status: criteria provided, single submitter. Criteria: ICSL Variant Classification Criteria 13 December 2019. Collection method: clinical testing. Allele origin: germline.

Illumina Laboratory Services, Illumina
Classification: Benign for Myopathy, myofibrillar, 9, with early respiratory failure. Last evaluated: 2018-01-13. Review status: criteria provided, single submitter. Criteria: ICSL Variant Classification Criteria 13 December 2019. Collection method: clinical testing. Allele origin: germline.
Comment: the same text as in the submission from Illumina Laboratory Services, Illumina above.

Illumina Laboratory Services, Illumina
Classification: Uncertain significance for Autosomal recessive limb-girdle muscular dystrophy type 2J. Last evaluated: 2018-01-13. Review status: criteria provided, single submitter. Criteria: ICSL Variant Classification Criteria 13 December 2019. Collection method: clinical testing. Allele origin: germline.

Labcorp Genetics (formerly Invitae), Labcorp
Classification: Uncertain significance for Dilated cardiomyopathy 1G; Autosomal recessive limb-girdle muscular dystrophy type 2J. Last evaluated: 2017-11-04. Review status: criteria provided, single submitter. Criteria: Invitae Variant Classification Sherloc (09022015). Collection method: clinical testing. Allele origin: germline.

GeneDx
Classification: Uncertain significance. Last evaluated: 2016-12-16. Review status: criteria provided, single submitter. Criteria: GeneDx Variant Classification (06012015). Collection method: clinical testing. Allele origin: germline. Affected: yes.
Comment: Missense variants in the TTN gene are considered 'unclassified' if they are not previously reported in the literature and do not have >1% frequency in the population to be considered a polymorphism. Research indicates that truncating mutations in the TTN gene are expected to account for approximately 25% of familial and 18% of sporadic idiopathic DCM; however, truncating variants in the TTN gene have been reported in approximately 3% of reported control alleles. There has been little investigation into non-truncating variants. (Herman D et al. Truncations of titin causing dilated cardiomyopathy. N Eng J Med 366:619-628, 2012) The variant is found in DCM panel(s).